The following is an entry in ClinVar:

NM_000548.5(TSC2):c.5301G>A (p.Leu1767=)

Gene: TSC2 (TSC complex subunit 2; plus strand). Cytogenetic location: 16p13.3.
Variant type: single nucleotide variant.
Coding change: c.5301G>A on transcript NM_000548.5 (MANE Select); coding-DNA position 5301, G replaced by A.
Protein change: p.Leu1767=; no amino-acid change (leucine 1767 retained).
Molecular consequence: synonymous variant. On other transcripts: non-coding transcript variant (5).
Genome position (GRCh38, 1-based): chr16:2,088,487, G>A. VCF-style: chr16-2088487-G-A. GRCh37 (hg19) VCF-style: chr16-2138488-G-A.
Other names: c.5100G>A, p.Leu1700= (NM_001077183.3); c.5232G>A, p.Leu1744= (NM_001114382.3); c.4992G>A, p.Leu1664= (NM_001318827.2); c.4956G>A, p.Leu1652= (NM_001318829.2); c.4569G>A, p.Leu1523= (NM_001318831.2); c.5133G>A, p.Leu1711= (NM_001318832.2); c.5103G>A, p.Leu1701= (NM_001363528.2); c.5169G>A, p.Leu1723= (NM_001370404.1); and 27 more.
Identifiers: ClinVar variation 2062026 (VCV002062026.7), dbSNP rs886051798, ClinGen allele CA493043685.

ClinVar aggregate classification (germline): Benign/Likely benign. Review status: criteria provided, multiple submitters, no conflicts (2 of 4 stars). 4 submissions from 4 submitters: Benign (1); Likely benign (3). Last evaluated 2026-06-16.

Conditions:
Hereditary cancer-predisposing syndrome. Also called: Tumor predisposition; Hereditary Cancer Syndrome; Hereditary neoplastic syndrome; Neoplastic Syndromes, Hereditary. Identifiers: Orphanet 140162, MedGen C0027672, MeSH D009386, MONDO:0015356.
Tuberous sclerosis syndrome (TSC). Also called: Tuberous Sclerosis Complex; Tuberous sclerosis. Identifiers: Orphanet 805, MedGen C0041341, MONDO:0001734.
Tuberous sclerosis 2 (TSC2). Identifiers: Orphanet 805, MedGen C1860707, MONDO:0013199, OMIM 613254.

gnomAD v4.1: 1 of 1,612,742 alleles (0.000062%); highest among the groups gnomAD compares: African/African-American, 0.0013%; no homozygotes.

Submissions (4):

Ambry Genetics
Classification: Likely benign for Hereditary cancer-predisposing syndrome. Last evaluated: 2026-06-16. Review status: criteria provided, single submitter. Criteria: Ambry Variant Classification Scheme 2023. Collection method: clinical testing. Allele origin: germline.

Myriad Genetics, Inc.
Classification: Benign for Tuberous sclerosis 2. Last evaluated: 2025-06-06. Review status: criteria provided, single submitter. Criteria: Myriad Autosomal Dominant, Autosomal Recessive and X-Linked Classification Criteria (2023). Collection method: clinical testing. Allele origin: unknown.
Comment: This variant is considered benign. This variant is a silent/synonymous amino acid change and it is not expected to impact splicing.

All of Us Research Program, National Institutes of Health
Classification: Likely benign for Tuberous sclerosis syndrome. Last evaluated: 2024-01-11. Review status: criteria provided, single submitter. Criteria: ACMG Guidelines, 2015. Collection method: clinical testing. Allele origin: germline. Inheritance: Autosomal dominant inheritance. Observed: 2 variant alleles, 2 heterozygotes.
Comment: This study involves interpretation of variants in research participants for the purpose of population health screening. Participant phenotype was not available at the time of variant classification. Additional details can be found in publication PMID: 35346344, PMCID: PMC8962531

Labcorp Genetics (formerly Invitae), Labcorp
Classification: Likely benign for Tuberous sclerosis 2. Last evaluated: 2022-04-30. Review status: criteria provided, single submitter. Criteria: Invitae Variant Classification Sherloc (09022015). Collection method: clinical testing. Allele origin: germline.